The following is an entry in ClinVar:

ClinVar aggregate classification (germline): Uncertain significance (1 of 4 stars; one submission).

Submission:

Labcorp Genetics (formerly Invitae), Labcorp
Classification: Uncertain significance. Last evaluated: 2024-06-21. Review status: criteria provided, single submitter. Criteria: Invitae Variant Classification Sherloc (09022015). Collection method: clinical testing. Allele origin: germline.
Comment: This sequence change replaces valine, which is neutral and non-polar, with leucine, which is neutral and non-polar, at codon 928 of the CACNA2D4 protein (p.Val928Leu). This variant is not present in population databases (gnomAD no frequency). This variant has not been reported in the literature in individuals affected with CACNA2D4-related conditions. ClinVar contains an entry for this variant (Variation ID: 998574). An algorithm developed to predict the effect of missense changes on protein structure and function (PolyPhen-2) suggests that this variant is likely to be tolerated. In summary, the available evidence is currently insufficient to determine the role of this variant in disease. Therefore, it has been classified as a Variant of Uncertain Significance.

NM_172364.5(CACNA2D4):c.2782G>T (p.Val928Leu)

Gene: CACNA2D4 (calcium voltage-gated channel auxiliary subunit alpha2delta 4; minus strand). Cytogenetic location: 12p13.33.
Variant type: single nucleotide variant.
Coding change: c.2782G>T on transcript NM_172364.5 (MANE Select); coding-DNA position 2782, G replaced by T.
Protein change: p.Val928Leu; replaces valine 928 with leucine.
Molecular consequence: missense variant.
Genome position (GRCh38, 1-based): chr12:1,801,584, C>A on the plus strand (G>T on the coding strand, the complement: CACNA2D4 is on the minus strand). VCF-style: chr12-1801584-C-A. GRCh37 (hg19) VCF-style: chr12-1910750-C-A.
Other names: short protein forms V928L.
Identifiers: ClinVar variation 998574 (VCV000998574.8), dbSNP rs1863330193, ClinGen allele CA383349303.
Genomic context (GRCh38, chr12:1,801,584, plus strand): 5'-TCTCGGTTTGCTGTGTCTATTTGGACTGGGGAGGAGTGTGCCCCACTTACTGGCTGAACA[C>A]CCCCATGCTGAGCAGCTGGGTCAGGACAGCACCATCCACCTCCCCCAGAAATCTTCCCGT-3'
Protein context (NP_758952.4, residues 918-938): AVLTQLLSMG[Val928Leu]FSQVTMYDYQ